The following is an entry in ClinVar:

NM_000090.4(COL3A1):c.4280C>G (p.Thr1427Arg)

Gene: COL3A1 (collagen type III alpha 1 chain; plus strand). Cytogenetic location: 2q32.2.
Variant type: single nucleotide variant.
Coding change: c.4280C>G on transcript NM_000090.4 (MANE Select); coding-DNA position 4280, C replaced by G.
Protein change: p.Thr1427Arg; replaces threonine 1427 with arginine.
Molecular consequence: missense variant.
Genome position (GRCh38, 1-based): chr2:189,011,653, C>G. VCF-style: chr2-189011653-C-G. GRCh37 (hg19) VCF-style: chr2-189876379-C-G.
Other names: short protein forms T1427R.
Identifiers: ClinVar variation 3634112 (VCV003634112.2).

ClinVar aggregate classification (germline): Uncertain significance (1 of 4 stars; one submission).

Conditions:
Ehlers-Danlos syndrome, type 4 (EDSVASC). Also called: Ehlers-Danlos syndrome vascular type; Ehlers Danlos syndrome, ecchymotic type; Ehlers Danlos syndrome, arterial type; Ehlers Danlos syndrome, Sack-Barabas type; Ehlers-Danlos Syndrome Type IV. Identifiers: Orphanet 286, MedGen C0268338, MONDO:0017314, OMIM 130050.

Submission:

Labcorp Genetics (formerly Invitae), Labcorp
Classification: Uncertain significance for Ehlers-Danlos syndrome, type 4. Last evaluated: 2024-12-22. Review status: criteria provided, single submitter. Criteria: Invitae Variant Classification Sherloc (09022015). Collection method: clinical testing. Allele origin: germline.
Comment: This sequence change replaces threonine, which is neutral and polar, with arginine, which is basic and polar, at codon 1427 of the COL3A1 protein (p.Thr1427Arg). This variant is not present in population databases (gnomAD no frequency). This variant has not been reported in the literature in individuals affected with COL3A1-related conditions. Invitae Evidence Modeling of protein sequence and biophysical properties (such as structural, functional, and spatial information, amino acid conservation, physicochemical variation, residue mobility, and thermodynamic stability) has been performed for this missense variant. However, the output from this modeling did not meet the statistical confidence thresholds required to predict the impact of this variant on COL3A1 protein function. In summary, the available evidence is currently insufficient to determine the role of this variant in disease. Therefore, it has been classified as a Variant of Uncertain Significance.